The following is an entry in ClinVar:

ClinVar aggregate classification (germline): Uncertain significance (1 of 4 stars; one submission).

Conditions:
Tumor predisposition syndrome 3 (TPDS3). Also called: Melanoma, cutaneous malignant, susceptibility to, 10; Glioma susceptibility 9; LONG TELOMERE SYNDROME, POT1-RELATED; POT1 Tumor Predisposition. Identifiers: Orphanet 618, MedGen C4014476, MONDO:0014368, OMIM 615848.

Submission:

Labcorp Genetics (formerly Invitae), Labcorp
Classification: Uncertain significance for Tumor predisposition syndrome 3. Last evaluated: 2024-08-12. Review status: criteria provided, single submitter. Criteria: Invitae Variant Classification Sherloc (09022015). Collection method: clinical testing. Allele origin: germline.
Comment: This sequence change replaces glutamine, which is neutral and polar, with arginine, which is basic and polar, at codon 199 of the POT1 protein (p.Gln199Arg). This variant is not present in population databases (gnomAD no frequency). This variant has not been reported in the literature in individuals affected with POT1-related conditions. ClinVar contains an entry for this variant (Variation ID: 1715566). Advanced modeling of protein sequence and biophysical properties (such as structural, functional, and spatial information, amino acid conservation, physicochemical variation, residue mobility, and thermodynamic stability) performed at Invitae indicates that this missense variant is not expected to disrupt POT1 protein function with a negative predictive value of 80%. In summary, the available evidence is currently insufficient to determine the role of this variant in disease. Therefore, it has been classified as a Variant of Uncertain Significance.

NM_015450.3(POT1):c.596A>G (p.Gln199Arg)

Gene: POT1 (protection of telomeres 1; minus strand). Cytogenetic location: 7q31.33.
Variant type: single nucleotide variant.
Coding change: c.596A>G on transcript NM_015450.3 (MANE Select); coding-DNA position 596, A replaced by G.
Protein change: p.Gln199Arg; replaces glutamine 199 with arginine.
Molecular consequence: missense variant. On other transcripts: non-coding transcript variant (3).
Genome position (GRCh38, 1-based): chr7:124,859,063, T>C on the plus strand (A>G on the coding strand, the complement: POT1 is on the minus strand). VCF-style: chr7-124859063-T-C. GRCh37 (hg19) VCF-style: chr7-124499117-T-C.
Other names: c.203A>G, p.Gln68Arg (NM_001042594.2); short protein forms Q199R, Q68R.
Identifiers: ClinVar variation 1715566 (VCV001715566.6), dbSNP rs2485463829, ClinGen allele CA369056627.
Genomic context (GRCh38, chr7:124,859,063, plus strand): 5'-TCTATTGTCAGATTTTGTAGCCGATGGATGTGACTTAAATCACCTTCAAGAACAAGGTCT[T>C]GTATTAAGACTCTCCAAGATGGAAATGGTGTCCTGGTGCCATCCCATACCTGCCATAAGA-3'
Protein context (NP_056265.2, residues 189-209): TPFPSWRVLI[Gln199Arg]DLVLEGDLSH